The following is an entry in ClinVar:

ClinVar aggregate classification (germline): Uncertain significance (1 of 4 stars; one submission).

Conditions:
Osteogenesis imperfecta type 8 (OI8). Identifiers: MedGen C1970458, MONDO:0012581, OMIM 610915.

Submission:

Labcorp Genetics (formerly Invitae), Labcorp
Classification: Uncertain significance for Osteogenesis imperfecta type 8. Last evaluated: 2019-10-18. Review status: criteria provided, single submitter. Criteria: Invitae Variant Classification Sherloc (09022015). Collection method: clinical testing. Allele origin: germline.
Comment: This variant is not present in population databases (ExAC no frequency). This variant has not been reported in the literature in individuals with P3H1-related conditions. Algorithms developed to predict the effect of missense changes on protein structure and function (SIFT, PolyPhen-2, Align-GVGD) all suggest that this variant is likely to be tolerated, but these predictions have not been confirmed by published functional studies and their clinical significance is uncertain. In summary, the available evidence is currently insufficient to determine the role of this variant in disease. Therefore, it has been classified as a Variant of Uncertain Significance. This sequence change replaces valine with leucine at codon 599 of the P3H1 protein (p.Val599Leu). The valine residue is weakly conserved and there is a small physicochemical difference between valine and leucine.

NM_022356.4(P3H1):c.1795G>C (p.Val599Leu)

Gene: P3H1 (prolyl 3-hydroxylase 1; minus strand). Cytogenetic location: 1p34.2.
Variant type: single nucleotide variant.
Coding change: c.1795G>C on transcript NM_022356.4 (MANE Select); coding-DNA position 1795, G replaced by C.
Protein change: p.Val599Leu; replaces valine 599 with leucine.
Molecular consequence: missense variant.
Genome position (GRCh38, 1-based): chr1:42,748,243, C>G on the plus strand (G>C on the coding strand, the complement: P3H1 is on the minus strand). VCF-style: chr1-42748243-C-G. GRCh37 (hg19) VCF-style: chr1-43213914-C-G.
Other names: c.1795G>C, p.Val599Leu (NM_001146289.2, NM_001243246.2); short protein forms V599L.
Identifiers: ClinVar variation 968028 (VCV000968028.9), dbSNP rs140254470, ClinGen allele CA339954226.
Genomic context (GRCh38, chr1:42,748,243, plus strand): 5'-ACCTGCCCCGCACTCACCTGTAGTCGCGGAAGGTGTAGGCTGGGGGCTCTTTGACACACA[C>G]GAGGGTCTCGGCATTCAGGATGCAGTTGTCCACGTGGACTGGATGACTATCATCCTTCCT-3'
Protein context (NP_071751.3, residues 589-609): DNCILNAETL[Val599Leu]CVKEPPAYTF